The following is an entry in ClinVar:

ClinVar aggregate classification (germline): Pathogenic (1 of 4 stars; one submission).

Submission:

Labcorp Genetics (formerly Invitae), Labcorp
Classification: Pathogenic. Last evaluated: 2023-09-04. Review status: criteria provided, single submitter. Criteria: Invitae Variant Classification Sherloc (09022015). Collection method: clinical testing. Allele origin: germline.
Comment: This variant is not present in population databases (gnomAD no frequency). For these reasons, this variant has been classified as Pathogenic. This premature translational stop signal has been observed in individual(s) with Sotos syndrome (PMID: 17565729). In at least one individual the variant was observed to be de novo. This sequence change creates a premature translational stop signal (p.Ser486Phefs*4) in the NSD1 gene. It is expected to result in an absent or disrupted protein product. Loss-of-function variants in NSD1 are known to be pathogenic (PMID: 12464997, 14571271, 15942875, 16247291).

Literature cited by the submitters: PubMed 17565729; PubMed 12464997; PubMed 14571271; PubMed 15942875; PubMed 16247291.

NM_022455.5(NSD1):c.1456dup (p.Ser486fs)

Gene: NSD1 (nuclear receptor binding SET domain protein 1; plus strand). Cytogenetic location: 5q35.3.
Variant type: Duplication.
Coding change: c.1456dup on transcript NM_022455.5 (MANE Select); coding-DNA position 1456, one base duplicated (T; older notation c.1456dupT).
Protein change: p.Ser486fs; shifts the reading frame from serine 486.
Molecular consequence: frameshift variant.
Genome position (GRCh38, 1-based): chr5:177,209,855, T duplicated; the last of 2 consecutive T bases (chr5:177,209,854-177,209,855); duplicating either gives the same sequence. VCF-style (leftmost placement, unchanged base first): chr5-177209853-A-AT. GRCh37 (hg19) VCF-style: chr5-176636854-A-AT.
Other names: c.583dup, p.Ser195fs (NM_001365684.2, NM_001409306.1, NM_001409307.1 and 3 more transcripts); c.1456dup, p.Ser486fs (NM_001409301.1, NM_001409302.1, NM_001409303.1); c.1036dup, p.Ser346fs (NM_001409304.1); c.703dup, p.Ser235fs (NM_001409305.1); short protein forms S235fs, S346fs, S195fs, S486fs.
Identifiers: ClinVar variation 3720664 (VCV003720664.2).